The following is an entry in ClinVar:

NM_130384.3(ATRIP):c.1567A>C (p.Thr523Pro)

Genes: ATRIP (ATR interacting protein; plus strand), ATRIP-TREX1 (ATRIP-TREX1 readthrough; plus strand). Cytogenetic location: 3p21.31.
Variant type: single nucleotide variant.
Coding change: c.1567A>C on transcript NM_130384.3 (MANE Select); coding-DNA position 1567, A replaced by C.
Protein change: p.Thr523Pro; replaces threonine 523 with proline.
Molecular consequence: missense variant. On other transcripts: non-coding transcript variant (1).
Genome position (GRCh38, 1-based): chr3:48,460,621, A>C. VCF-style: chr3-48460621-A-C. GRCh37 (hg19) VCF-style: chr3-48502020-A-C.
Other names: c.1186A>C, p.Thr396Pro (NM_001271022.2); c.1288A>C, p.Thr430Pro (NM_001271023.2); c.1567A>C, p.Thr523Pro (NM_032166.4); c.1567A>C (NM_130384.1); short protein forms T396P, T430P, T523P.
Identifiers: ClinVar variation 2192355 (VCV002192355.6), dbSNP rs146391653, ClinGen allele CA73973591.

ClinVar aggregate classification (germline): Uncertain significance. Review status: criteria provided, multiple submitters, no conflicts (2 of 4 stars). 2 submissions from 2 submitters: Uncertain significance (2). Last evaluated 2025-11-07.

Allele frequency attached by ClinVar (database versions not stated): TOPMed 0.00002; gnomAD 0.00004; gnomAD exomes 0.00004; ESP Exome Variant Server 0.00008.
gnomAD v4.1: 60 of 1,614,018 alleles (0.0037%); highest among the groups gnomAD compares: Non-Finnish European, 0.0048%; no homozygotes.

Submissions (2):

Ambry Genetics
Classification: Uncertain significance. Last evaluated: 2025-11-07. Review status: criteria provided, single submitter. Criteria: Ambry Variant Classification Scheme 2023. Collection method: clinical testing. Allele origin: germline.

Labcorp Genetics (formerly Invitae), Labcorp
Classification: Uncertain significance. Last evaluated: 2022-02-15. Review status: criteria provided, single submitter. Criteria: Invitae Variant Classification Sherloc (09022015). Collection method: clinical testing. Allele origin: germline.
Comment: This sequence change replaces threonine, which is neutral and polar, with proline, which is neutral and non-polar, at codon 523 of the ATRIP protein (p.Thr523Pro). This variant is present in population databases (rs146391653, gnomAD 0.002%). This variant has not been reported in the literature in individuals affected with ATRIP-related conditions. Algorithms developed to predict the effect of missense changes on protein structure and function output the following: SIFT: "Tolerated"; PolyPhen-2: "Benign"; Align-GVGD: "Class C0". The proline amino acid residue is found in multiple mammalian species, which suggests that this missense change does not adversely affect protein function. In summary, the available evidence is currently insufficient to determine the role of this variant in disease. Therefore, it has been classified as a Variant of Uncertain Significance.